The following is an entry in ClinVar:

NM_015080.4(NRXN2):c.1888G>A (p.Gly630Ser)

Gene: NRXN2 (neurexin 2; minus strand). Cytogenetic location: 11q13.1.
Variant type: single nucleotide variant.
Coding change: c.1888G>A on transcript NM_015080.4 (MANE Select); coding-DNA position 1888, G replaced by A.
Protein change: p.Gly630Ser; replaces glycine 630 with serine.
Molecular consequence: missense variant.
Genome position (GRCh38, 1-based): chr11:64,661,050, C>T on the plus strand (G>A on the coding strand, the complement: NRXN2 is on the minus strand). VCF-style: chr11-64661050-C-T. GRCh37 (hg19) VCF-style: chr11-64428522-C-T.
Other names: c.1888G>A, p.Gly630Ser (NM_001376262.1); c.1867G>A, p.Gly623Ser (NM_001376263.1, NM_001376267.1); c.1843G>A, p.Gly615Ser (NM_001376265.1); c.1864G>A, p.Gly622Ser (NM_001376266.1); c.1795G>A, p.Gly599Ser (NM_138732.3); c.1888G>A (NM_015080.3); short protein forms G599S, G615S, G622S, G623S, G630S.
Identifiers: ClinVar variation 2689609 (VCV002689609.5), dbSNP rs561880923, ClinGen allele CA6078344.

ClinVar aggregate classification (germline): Uncertain significance. Review status: criteria provided, multiple submitters, no conflicts (2 of 4 stars). 3 submissions from 3 submitters: Uncertain significance (3). Last evaluated 2025-12-24.

Allele frequency attached by ClinVar (database versions not stated): gnomAD exomes 0.00004; 1000 Genomes Project 30x 0.00031; 1000 Genomes Project 0.00040; ExAC 0.00008; gnomAD 0.00015; TOPMed 0.00016.
gnomAD v4.1: 90 of 1,613,536 alleles (0.0056%); highest among the groups gnomAD compares: Admixed American, 0.052%; no homozygotes.

Submissions (3):

Dasa
Classification: Uncertain significance. Last evaluated: 2025-12-24. Review status: criteria provided, single submitter. Criteria: DASA Assertion Criteria. Collection method: clinical testing. Allele origin: germline.
Comment: NM_015080.4(NRXN2):c.1888G>A (p.Gly630Ser) is a missense variant that results in the substitution of glycine with serine. This variant is rare in population databases. Computational prediction algorithms are consistent with a deleterious effect. The currently available literature and clinical evidence are not sufficient to establish a definitive association between this variant and the reported condition. Therefore, this variant is classified as a variant of uncertain significance.

Revvity Omics, Revvity
Classification: Uncertain significance. Last evaluated: 2025-06-09. Review status: criteria provided, single submitter. Criteria: ACMG Guidelines, 2015. Collection method: clinical testing. Allele origin: germline.

Ambry Genetics
Classification: Uncertain significance. Last evaluated: 2024-01-24. Review status: criteria provided, single submitter. Criteria: Ambry Variant Classification Scheme 2023. Collection method: clinical testing. Allele origin: germline.